The following is an entry in ClinVar:

NM_003601.4(SMARCA5):c.2016_2018del (p.Glu672del)

Gene: SMARCA5 (SNF2 related chromatin remodeling ATPase 5; plus strand). Cytogenetic location: 4q31.21.
Variant type: Deletion.
Coding change: c.2016_2018del on transcript NM_003601.4 (MANE Select); coding-DNA positions 2016 to 2018, 3 bases deleted (AGA; older notation c.2016_2018delAGA).
Protein change: p.Glu672del; deletes glutamic acid 672.
Molecular consequence: inframe deletion.
Genome position (GRCh38, 1-based): chr4:143,543,621-143,543,623, AGA deleted; deleting any 3 consecutive bases within chr4:143,543,619-143,543,623 gives the same sequence; the c. name uses the placement nearest the transcript's 3' end. VCF-style (leftmost placement, unchanged base first): chr4-143543618-TGAA-T. GRCh37 (hg19) VCF-style: chr4-144464771-TGAA-T.
Other names: short protein forms E672del.
Identifiers: ClinVar variation 2136005 (VCV002136005.1), dbSNP rs2531507181, ClinGen allele CA2580071564.
Genomic context (GRCh38, chr4:143,543,618, plus strand): 5'-TCAAATGATTAGACATGGAGCAACACATGTGTTTGCTTCAAAGGAAAGTGAGATCACTGA[TGAA>T]GATATCGATGGTATTTTGGAAAGAGGTGCAAAGAAGGTGAGATGTAGATTAAATAATGCT-3'

ClinVar aggregate classification (germline): Uncertain significance (1 of 4 stars; one submission).

Submission:

GeneDx
Classification: Uncertain significance. Last evaluated: 2022-07-22. Review status: criteria provided, single submitter. Criteria: GeneDx Variant Classification Process June 2021. Collection method: clinical testing. Allele origin: germline. Affected: yes.
Comment: Not observed at significant frequency in large population cohorts (gnomAD); In-frame deletion of 1 amino acids in a non-repeat region; In silico analysis supports a deleterious effect on protein structure/function; Has not been previously published as pathogenic or benign to our knowledge